The following is an entry in ClinVar:

NM_021625.5(TRPV4):c.155C>T (p.Ala52Val)

Gene: TRPV4 (transient receptor potential cation channel subfamily V member 4; minus strand). Cytogenetic location: 12q24.11.
Variant type: single nucleotide variant.
Coding change: c.155C>T on transcript NM_021625.5 (MANE Select); coding-DNA position 155, C replaced by T.
Protein change: p.Ala52Val; replaces alanine 52 with valine.
Molecular consequence: missense variant. On other transcripts: intron variant (1).
Genome position (GRCh38, 1-based): chr12:109,814,642, G>A on the plus strand (C>T on the coding strand, the complement: TRPV4 is on the minus strand). VCF-style: chr12-109814642-G-A. GRCh37 (hg19) VCF-style: chr12-110252447-G-A.
Other names: c.155C>T, p.Ala52Val (NM_001177428.2, NM_001177433.2, NM_147204.3); c.80-27C>T (NM_001177431.1); short protein forms A52V.
Identifiers: ClinVar variation 2437346 (VCV002437346.6), dbSNP rs2548803720, ClinGen allele CA386660698.
Genomic context (GRCh38, chr12:109,814,642, plus strand): 5'-TGGAACTTCATGCGCAGATTTGGTCGCCCATCGCCTGGGCCAGCAGGGCGACTGGCATCA[G>A]CCGGTGAGGGCGAAAGGGAGCCATCCTCCCCCTCAAACAGATTGGCCAGGGAGGAGAGAG-3'
Protein context (NP_067638.3, residues 42-62): GEDGSLSPSP[Ala52Val]DASRPAGPGD

ClinVar aggregate classification (germline): Uncertain significance. Review status: criteria provided, multiple submitters, no conflicts (2 of 4 stars). 2 submissions from 2 submitters: Uncertain significance (2). Last evaluated 2025-10-02.

Conditions:
Charcot-Marie-Tooth disease axonal type 2C (HMSN2C). Also called: Charcot-Marie-Tooth Disease Type 2, TRPV4-Related (CMT2C); CHARCOT-MARIE-TOOTH DISEASE, AXONAL, AUTOSOMAL DOMINANT, TYPE 2C; Charcot-Marie-Tooth Neuropathy Type 2C. Identifiers: Orphanet 99937, MedGen C1853710, MONDO:0011633, OMIM 606071.

Submissions (2):

Labcorp Genetics (formerly Invitae), Labcorp
Classification: Uncertain significance for Charcot-Marie-Tooth disease axonal type 2C. Last evaluated: 2025-10-02. Review status: criteria provided, single submitter. Criteria: Invitae Variant Classification Sherloc (09022015). Collection method: clinical testing. Allele origin: germline.
Comment: This sequence change replaces alanine, which is neutral and non-polar, with valine, which is neutral and non-polar, at codon 52 of the TRPV4 protein (p.Ala52Val). This variant is not present in population databases (gnomAD no frequency). This variant has not been reported in the literature in individuals affected with TRPV4-related conditions. ClinVar contains an entry for this variant (Variation ID: 2437346). Invitae Evidence Modeling of protein sequence and biophysical properties (such as structural, functional, and spatial information, amino acid conservation, physicochemical variation, residue mobility, and thermodynamic stability) indicates that this missense variant is not expected to disrupt TRPV4 protein function with a negative predictive value of 95%. In summary, the available evidence is currently insufficient to determine the role of this variant in disease. Therefore, it has been classified as a Variant of Uncertain Significance.

Revvity Omics, Revvity
Classification: Uncertain significance. Last evaluated: 2021-04-26. Review status: criteria provided, single submitter. Criteria: ACMG Guidelines, 2015. Collection method: clinical testing. Allele origin: germline.